The following is an entry in ClinVar:

ClinVar aggregate classification (germline): Likely benign (1 of 4 stars; one submission).

Submission:

CeGaT Center for Human Genetics Tuebingen
Classification: Likely benign. Last evaluated: 2026-02-01. Review status: criteria provided, single submitter. Criteria: CeGaT Center For Human Genetics Tuebingen Variant Classification Criteria Version 2. Collection method: clinical testing. Allele origin: germline. Affected: yes. Observed: 1 variant allele.
Comment: SLC5A6: BP4, BP7

NM_021095.4(SLC5A6):c.537C>T (p.Ser179=)

Gene: SLC5A6 (solute carrier family 5 member 6; minus strand). Cytogenetic location: 2p23.3.
Variant type: single nucleotide variant.
Coding change: c.537C>T on transcript NM_021095.4 (MANE Select); coding-DNA position 537, C replaced by T.
Protein change: p.Ser179=; no amino-acid change (serine 179 retained).
Molecular consequence: synonymous variant. On other transcripts: non-coding transcript variant (1).
Genome position (GRCh38, 1-based): chr2:27,206,068, G>A on the plus strand (C>T on the coding strand, the complement: SLC5A6 is on the minus strand). VCF-style: chr2-27206068-G-A. GRCh37 (hg19) VCF-style: chr2-27428936-G-A.
Identifiers: ClinVar variation 4820889 (VCV004820889.4).